The following is an entry in ClinVar:

NM_001875.5(CPS1):c.1982-1G>T

Gene: CPS1 (carbamoyl-phosphate synthase 1; plus strand). Cytogenetic location: 2q34.
Variant type: single nucleotide variant.
Coding change: c.1982-1G>T on transcript NM_001875.5 (MANE Select); the canonical splice acceptor site of the intron before coding-DNA position 1982, G replaced by T.
Molecular consequence: splice acceptor variant.
Genome position (GRCh38, 1-based): chr2:210,606,730, G>T. VCF-style: chr2-210606730-G-T. GRCh37 (hg19) VCF-style: chr2-211471454-G-T.
Other names: c.1982-1G>T (NM_001369257.1, NM_001122633.3); c.2015-1G>T (NM_001369256.1).
Identifiers: ClinVar variation 4065347 (VCV004065347.2).

ClinVar aggregate classification (germline): Likely pathogenic (1 of 4 stars; one submission).

Conditions:
Congenital hyperammonemia, type I. Also called: CPS I DEFICIENCY; Carbamoyl phosphate synthetase 1 deficiency; Hyperammonemia due to carbamoyl phosphate synthetase 1 deficiency; CPS 1 deficiency; Carbamyl phosphate synthetase (CPS) deficiency; Carbamoyl phosphate synthetase I deficiency disease. Identifiers: Orphanet 147, MedGen C4082171, MONDO:0009376, OMIM 237300.

Submission:

Natera, Inc.
Classification: Likely pathogenic for Carbamoyl-phosphate synthase I deficiency. Last evaluated: 2025-02-18. Review status: criteria provided, single submitter. Criteria: Natera Variant Classification Schema (03/2026). Collection method: clinical testing. Allele origin: germline.
Comment: The c.1982-1G>T variant in CPS1 is a canonical splice acceptor site variant predicted to affect pre-mRNA splicing, which may result in an abnormal transcript and altered protein product. This variant is expected to result in nonsense mediated decay, truncation, or a dysfunctional protein product. This variant is rare in the general population with a frequency below the threshold expected for the associated phenotype(s). Given the available evidence, this variant is classified as Likely Pathogenic.